The following is an entry in ClinVar:

ClinVar aggregate classification (germline): Uncertain significance (1 of 4 stars; one submission).

Conditions:
Colorectal cancer, hereditary nonpolyposis, type 7. Identifiers: Orphanet 144, MedGen C1858380, MONDO:0013725, OMIM 614385.

Submission:

Labcorp Genetics (formerly Invitae), Labcorp
Classification: Uncertain significance for Colorectal cancer, hereditary nonpolyposis, type 7. Last evaluated: 2024-11-12. Review status: criteria provided, single submitter. Criteria: Invitae Variant Classification Sherloc (09022015). Collection method: clinical testing. Allele origin: germline.
Comment: This sequence change replaces glutamine, which is neutral and polar, with histidine, which is basic and polar, at codon 200 of the MLH3 protein (p.Gln200His). This variant is not present in population databases (gnomAD no frequency). This variant has not been reported in the literature in individuals affected with MLH3-related conditions. An algorithm developed to predict the effect of missense changes on protein structure and function (PolyPhen-2) suggests that this variant is likely to be disruptive. In summary, the available evidence is currently insufficient to determine the role of this variant in disease. Therefore, it has been classified as a Variant of Uncertain Significance.

NM_001040108.2(MLH3):c.600G>C (p.Gln200His)

Gene: MLH3 (mutL homolog 3; minus strand). Cytogenetic location: 14q24.3.
Variant type: single nucleotide variant.
Coding change: c.600G>C on transcript NM_001040108.2 (MANE Select); coding-DNA position 600, G replaced by C.
Protein change: p.Gln200His; replaces glutamine 200 with histidine.
Molecular consequence: missense variant.
Genome position (GRCh38, 1-based): chr14:75,049,056, C>G on the plus strand (G>C on the coding strand, the complement: MLH3 is on the minus strand). VCF-style: chr14-75049056-C-G. GRCh37 (hg19) VCF-style: chr14-75515759-C-G.
Other names: c.600G>C, p.Gln200His (NM_014381.3); short protein forms Q200H.
Identifiers: ClinVar variation 3628975 (VCV003628975.2).
Genomic context (GRCh38, chr14:75,049,056, plus strand): 5'-GGACTTTCCCAATCCATAAATTTGACAAAATCGGGAACATACGTCTTTGGTTTTAGGGAG[C>G]TGAAGAACCATGGAACCAGAAACATCATTTCTCAAAGAGAAAGAAATGGAAGGGTGCATG-3'
Protein context (NP_001035197.1, residues 190-210): RNDVSGSMVL[Gln200His]LPKTKDVCSR